The following is an entry in ClinVar:

NM_022455.5(NSD1):c.2297C>G (p.Ser766Trp)

Gene: NSD1 (nuclear receptor binding SET domain protein 1; plus strand). Cytogenetic location: 5q35.3.
Variant type: single nucleotide variant.
Coding change: c.2297C>G on transcript NM_022455.5 (MANE Select); coding-DNA position 2297, C replaced by G.
Protein change: p.Ser766Trp; replaces serine 766 with tryptophan.
Molecular consequence: missense variant.
Genome position (GRCh38, 1-based): chr5:177,210,696, C>G. VCF-style: chr5-177210696-C-G. GRCh37 (hg19) VCF-style: chr5-176637697-C-G.
Other names: c.1544C>G, p.Ser515Trp (NM_001409305.1); c.1424C>G, p.Ser475Trp (NM_001409306.1, NM_001409307.1, NM_001409308.1 and 3 more transcripts); c.2297C>G, p.Ser766Trp (NM_001409301.1, NM_001409302.1, NM_001409303.1); c.1877C>G, p.Ser626Trp (NM_001409304.1); short protein forms S497W, S766W, S475W, S515W, S626W.
Identifiers: ClinVar variation 1684966 (VCV001684966.4), dbSNP rs773591859, ClinGen allele CA362315234.
Genomic context (GRCh38, chr5:177,210,696, plus strand): 5'-TTACAAATGATGCTCTCTCTCCAAAATTCAACCTGTCATCAAGCATATCCAGTGAGAACT[C>G]GTTAATAAAGGGTGGGGCAGCAAATCAAGCTCTATTACATTCGAAAAGCAAACAGCCCAA-3'
Protein context (NP_071900.2, residues 756-776): NLSSSISSEN[Ser766Trp]LIKGGAANQA

ClinVar aggregate classification (germline): Uncertain significance. Review status: criteria provided, multiple submitters, no conflicts (2 of 4 stars). 3 submissions from 3 submitters: Uncertain significance (3). Last evaluated 2024-11-28.

Submissions (3):

Labcorp Genetics (formerly Invitae), Labcorp
Classification: Uncertain significance. Last evaluated: 2024-11-28. Review status: criteria provided, single submitter. Criteria: Invitae Variant Classification Sherloc (09022015). Collection method: clinical testing. Allele origin: germline.
Comment: This sequence change replaces serine, which is neutral and polar, with tryptophan, which is neutral and slightly polar, at codon 766 of the NSD1 protein (p.Ser766Trp). This variant is not present in population databases (gnomAD no frequency). This variant has not been reported in the literature in individuals affected with NSD1-related conditions. ClinVar contains an entry for this variant (Variation ID: 1684966). Invitae Evidence Modeling of protein sequence and biophysical properties (such as structural, functional, and spatial information, amino acid conservation, physicochemical variation, residue mobility, and thermodynamic stability) indicates that this missense variant is not expected to disrupt NSD1 protein function with a negative predictive value of 95%. In summary, the available evidence is currently insufficient to determine the role of this variant in disease. Therefore, it has been classified as a Variant of Uncertain Significance.

GeneDx
Classification: Uncertain significance. Last evaluated: 2024-01-24. Review status: criteria provided, single submitter. Criteria: GeneDx Variant Classification Process June 2021. Collection method: clinical testing. Allele origin: germline. Affected: yes.
Comment: Not observed at significant frequency in large population cohorts (gnomAD); In silico analysis supports that this missense variant does not alter protein structure/function; Has not been previously published as pathogenic or benign to our knowledge

Mendelics
Classification: Uncertain significance. Last evaluated: 2022-05-04. Review status: criteria provided, single submitter. Criteria: Mendelics Assertion Criteria 2019. Collection method: clinical testing. Allele origin: germline.